The following is an entry in ClinVar:

NM_012330.4(KAT6B):c.3328C>T (p.Pro1110Ser)

Gene: KAT6B (lysine acetyltransferase 6B; plus strand). Cytogenetic location: 10q22.2.
Variant type: single nucleotide variant.
Coding change: c.3328C>T on transcript NM_012330.4 (MANE Select); coding-DNA position 3328, C replaced by T.
Protein change: p.Pro1110Ser; replaces proline 1110 with serine.
Molecular consequence: missense variant.
Genome position (GRCh38, 1-based): chr10:75,022,187, C>T. VCF-style: chr10-75022187-C-T. GRCh37 (hg19) VCF-style: chr10-76781945-C-T.
Other names: c.2779C>T, p.Pro927Ser (NM_001256468.2, NM_001370138.1); c.2452C>T, p.Pro818Ser (NM_001256469.2, NM_001370139.1, NM_001370140.1 and 2 more transcripts); c.2290C>T, p.Pro764Ser (NM_001370132.1); c.1639C>T, p.Pro547Ser (NM_001370133.1); c.1243C>T, p.Pro415Ser (NM_001370134.1); c.985C>T, p.Pro329Ser (NM_001370135.1); c.3328C>T, p.Pro1110Ser (NM_001370136.1, NM_001370137.1); c.2263C>T, p.Pro755Ser (NM_001370143.1, NM_001370144.1); short protein forms P415S, P764S, P1110S, P927S, P329S, P547S, P755S, P818S.
Identifiers: ClinVar variation 2917846 (VCV002917846.3), dbSNP rs761917382, ClinGen allele CA5564797.

ClinVar aggregate classification (germline): Uncertain significance (1 of 4 stars; one submission).

Conditions:
Genitopatellar syndrome (GTPTS). Also called: ABSENT PATELLAE, SCROTAL HYPOPLASIA, RENAL ANOMALIES, FACIAL DYSMORPHISM, AND MENTAL RETARDATION; Genitopatellar syndrome (GPS). Identifiers: Orphanet 85201, MedGen C1853566, MONDO:0011640, OMIM 606170.

Allele frequency attached by ClinVar (database versions not stated): TOPMed below 0.00001; gnomAD exomes 0.00001; ExAC 0.00002.
gnomAD v4.1: 5 of 1,613,266 alleles (0.00031%); highest among the groups gnomAD compares: Admixed American, 0.0083%; no homozygotes.

Submission:

Labcorp Genetics (formerly Invitae), Labcorp
Classification: Uncertain significance for Genitopatellar syndrome. Last evaluated: 2023-11-08. Review status: criteria provided, single submitter. Criteria: Invitae Variant Classification Sherloc (09022015). Collection method: clinical testing. Allele origin: germline.
Comment: This sequence change replaces proline, which is neutral and non-polar, with serine, which is neutral and polar, at codon 1110 of the KAT6B protein (p.Pro1110Ser). This variant is present in population databases (rs761917382, gnomAD 0.01%). This variant has not been reported in the literature in individuals affected with KAT6B-related conditions. Advanced modeling of protein sequence and biophysical properties (such as structural, functional, and spatial information, amino acid conservation, physicochemical variation, residue mobility, and thermodynamic stability) performed at Invitae indicates that this missense variant is not expected to disrupt KAT6B protein function with a negative predictive value of 80%. In summary, the available evidence is currently insufficient to determine the role of this variant in disease. Therefore, it has been classified as a Variant of Uncertain Significance.